The following is an entry in ClinVar:

NM_001277115.2(DNAH11):c.9728T>G (p.Val3243Gly)

Gene: DNAH11 (dynein axonemal heavy chain 11; plus strand). Cytogenetic location: 7p15.3.
Variant type: single nucleotide variant.
Coding change: c.9728T>G on transcript NM_001277115.2 (MANE Select); coding-DNA position 9728, T replaced by G.
Protein change: p.Val3243Gly; replaces valine 3243 with glycine.
Molecular consequence: missense variant.
Genome position (GRCh38, 1-based): chr7:21,786,754, T>G. VCF-style: chr7-21786754-T-G. GRCh37 (hg19) VCF-style: chr7-21826372-T-G.
Other names: short protein forms V3243G.
Identifiers: ClinVar variation 4012674 (VCV004012674.1).

ClinVar aggregate classification (germline): Uncertain significance (1 of 4 stars; one submission).

Conditions:
Primary ciliary dyskinesia. Also called: Ciliary dyskinesia. Identifiers: Orphanet 244, MedGen C0008780, MONDO:0016575, HP:0012265.

gnomAD v4.1: 1 of 1,613,734 alleles (0.000062%); highest among the groups gnomAD compares: Non-Finnish European, 0.000085%; no homozygotes.

Submission:

Ambry Genetics
Classification: Uncertain significance for Primary ciliary dyskinesia. Last evaluated: 2025-03-30. Review status: criteria provided, single submitter. Criteria: Ambry Variant Classification Scheme 2023. Collection method: clinical testing. Allele origin: germline.
Comment: The p.V3243G variant (also known as c.9728T>G), located in coding exon 59 of the DNAH11 gene, results from a T to G substitution at nucleotide position 9728. The valine at codon 3243 is replaced by glycine, an amino acid with dissimilar properties. This amino acid position is conserved. In addition, this alteration is predicted to be tolerated by in silico analysis. Based on the available evidence, the clinical significance of this variant remains unclear.